The following is an entry in ClinVar:

NM_001040108.2(MLH3):c.1336G>A (p.Gly446Ser)

Gene: MLH3 (mutL homolog 3; minus strand). Cytogenetic location: 14q24.3.
Variant type: single nucleotide variant.
Coding change: c.1336G>A on transcript NM_001040108.2 (MANE Select); coding-DNA position 1336, G replaced by A.
Protein change: p.Gly446Ser; replaces glycine 446 with serine.
Molecular consequence: missense variant.
Genome position (GRCh38, 1-based): chr14:75,048,320, C>T on the plus strand (G>A on the coding strand, the complement: MLH3 is on the minus strand). VCF-style: chr14-75048320-C-T. GRCh37 (hg19) VCF-style: chr14-75515023-C-T.
Other names: c.1336G>A, p.Gly446Ser (NM_014381.3); short protein forms G446S.
Identifiers: ClinVar variation 839441 (VCV000839441.9), dbSNP rs1892410798, ClinGen allele CA390446373.

ClinVar aggregate classification (germline): Uncertain significance (1 of 4 stars; one submission).

Conditions:
Colorectal cancer, hereditary nonpolyposis, type 7. Identifiers: Orphanet 144, MedGen C1858380, MONDO:0013725, OMIM 614385.

Allele frequency attached by ClinVar (database versions not stated): gnomAD exomes 0.00001.
gnomAD v4.1: 7 of 1,614,034 alleles (0.00043%); highest among the groups gnomAD compares: African/African-American, 0.0013%; no homozygotes.

Submission:

Labcorp Genetics (formerly Invitae), Labcorp
Classification: Uncertain significance for Colorectal cancer, hereditary nonpolyposis, type 7. Last evaluated: 2020-11-16. Review status: criteria provided, single submitter. Criteria: Invitae Variant Classification Sherloc (09022015). Collection method: clinical testing. Allele origin: germline.
Comment: This sequence change replaces glycine with serine at codon 446 of the MLH3 protein (p.Gly446Ser). The glycine residue is weakly conserved and there is a small physicochemical difference between glycine and serine. This variant is not present in population databases (ExAC no frequency). This variant has not been reported in the literature in individuals with MLH3-related conditions. Algorithms developed to predict the effect of missense changes on protein structure and function output the following: SIFT: "Tolerated"; PolyPhen-2: "Benign"; Align-GVGD: "Class C0". The serine amino acid residue is found in multiple mammalian species, suggesting that this missense change does not adversely affect protein function. These predictions have not been confirmed by published functional studies and their clinical significance is uncertain. In summary, the available evidence is currently insufficient to determine the role of this variant in disease. Therefore, it has been classified as a Variant of Uncertain Significance.